The following is an entry in ClinVar:

ClinVar aggregate classification (germline): Conflicting classifications of pathogenicity. Review status: criteria provided, conflicting classifications (1 of 4 stars). 11 submissions from 11 submitters: Uncertain significance (3); Likely benign (8). Last evaluated 2026-09-23.

Conditions:
Hereditary cancer-predisposing syndrome. Also called: Tumor predisposition; Hereditary Cancer Syndrome; Hereditary neoplastic syndrome; Neoplastic Syndromes, Hereditary. Identifiers: Orphanet 140162, MedGen C0027672, MeSH D009386, MONDO:0015356.
Tuberous sclerosis 1 (TSC1). Identifiers: Orphanet 805, MedGen C1854465, MONDO:0008612, OMIM 191100.
TSC1-related disorder. Also called: TSC1-related condition.
Isolated focal cortical dysplasia type II (FCORD2). Also called: Focal cortical dysplasia type II; CORTICAL DYSPLASIA OF TAYLOR. Identifiers: Orphanet 268994, MedGen C1846385, MONDO:0011818, OMIM 607341, HP:0032051.
Lymphangiomyomatosis (LAM). Also called: Lymphangioleiomyomatosis; Lymphangioleiomyomatosis, somatic. Identifiers: Orphanet 538, MedGen C0751674, MONDO:0011705, OMIM 606690.
Tuberous sclerosis syndrome (TSC). Also called: Tuberous Sclerosis Complex; Tuberous sclerosis. Identifiers: Orphanet 805, MedGen C0041341, MONDO:0001734.

Allele frequency attached by ClinVar (database versions not stated): gnomAD exomes 0.00001 and 0.00002; gnomAD 0.00005 and 0.00006; TOPMed 0.00005; ESP Exome Variant Server 0.00008.
gnomAD v4.1: 30 of 1,613,950 alleles (0.0019%); highest among the groups gnomAD compares: Non-Finnish European, 0.0024%; no homozygotes.

Submissions (11):

PreventionGenetics, part of Exact Sciences
Classification: Likely benign for TSC1-related condition. Last evaluated: 2026-09-23. Review status: criteria provided, single submitter. Criteria: ACMG Guidelines, 2015. Collection method: clinical testing. Allele origin: germline.
Comment: This variant is classified as likely benign based on ACMG/AMP sequence variant interpretation guidelines (Richards et al. 2015 PMID: 25741868, with internal and published modifications).

Labcorp Genetics (formerly Invitae), Labcorp
Classification: Likely benign for Tuberous sclerosis 1. Last evaluated: 2026-01-31. Review status: criteria provided, single submitter. Criteria: Invitae Variant Classification Sherloc (09022015). Collection method: clinical testing. Allele origin: germline.

CeGaT Center for Human Genetics Tuebingen
Classification: Likely benign. Last evaluated: 2025-06-01. Review status: criteria provided, single submitter. Criteria: CeGaT Center For Human Genetics Tuebingen Variant Classification Criteria Version 2. Collection method: clinical testing. Allele origin: germline. Affected: yes. Observed: 1 variant allele.
Comment: TSC1: PP2, BS1

Department of Pathology and Laboratory Medicine, Sinai Health System
Classification: Uncertain significance for Tuberous sclerosis 1; Lymphangiomyomatosis; Isolated focal cortical dysplasia type II. Last evaluated: 2024-07-18. Review status: criteria provided, single submitter. Criteria: ACMG Guidelines, 2015. Collection method: clinical testing. Allele origin: germline.

All of Us Research Program, National Institutes of Health
Classification: Uncertain significance for Tuberous sclerosis syndrome. Last evaluated: 2024-05-09. Review status: criteria provided, single submitter. Criteria: ACMG Guidelines, 2015. Collection method: clinical testing. Allele origin: germline. Inheritance: Autosomal dominant inheritance. Observed: 11 variant alleles, 11 heterozygotes.
Comment: This missense variant replaces threonine with isoleucine at codon 393 of the TSC1 protein. Computational prediction suggests that this variant may have deleterious impact on protein structure and function (internally defined REVEL score threshold >= 0.7, PMID: 27666373). A functional study with the variant reported slightly elevated MTOR activity compared to wild-type TSC1 (PMID: 33071758). This variant has not been reported in individuals affected with tuberous sclerosis in the literature. This variant has been identified in 6/282146 chromosomes in the general population by the Genome Aggregation Database (gnomAD). The available evidence is insufficient to determine the role of this variant in disease conclusively. Therefore, this variant is classified as a Variant of Uncertain Significance.

This study involves interpretation of variants in research participants for the purpose of population health screening. Participant phenotype was not available at the time of variant classification. Additional details can be found in publication PMID: 35346344, PMCID: PMC8962531

Color Diagnostics, LLC DBA Color Health
Classification: Uncertain significance for Tuberous sclerosis syndrome. Last evaluated: 2023-10-05. Review status: criteria provided, single submitter. Criteria: ACMG Guidelines, 2015. Collection method: clinical testing. Allele origin: germline.
Comment: This missense variant replaces threonine with isoleucine at codon 393 of the TSC1 protein. Computational prediction suggests that this variant may have deleterious impact on protein structure and function. A functional study with the variant reported slightly elevated MTOR activity compared to wild-type TSC1 (PMID: 33071758). This variant has not been reported in individuals affected with tuberous sclerosis in the literature. This variant has been identified in 6/282146 chromosomes in the general population by the Genome Aggregation Database (gnomAD). The available evidence is insufficient to determine the role of this variant in disease conclusively. Therefore, this variant is classified as a Variant of Uncertain Significance.

Blueprint Genetics
Classification: Likely benign. Last evaluated: 2023-09-05. Review status: criteria provided, single submitter. Criteria: ACMG Guidelines, 2015. Collection method: clinical testing. Allele origin: germline.

GeneDx
Classification: Likely benign. Last evaluated: 2022-05-12. Review status: criteria provided, single submitter. Criteria: GeneDx Variant Classification Process June 2021. Collection method: clinical testing. Allele origin: germline. Affected: yes.
Comment: See Variant Classification Assertion Criteria.

Fulgent Genetics
Classification: Likely benign for Tuberous sclerosis 1; Lymphangiomyomatosis; Isolated focal cortical dysplasia type II. Last evaluated: 2022-04-26. Review status: criteria provided, single submitter. Criteria: ACMG Guidelines, 2015. Collection method: clinical testing. Allele origin: unknown.

Genome-Nilou Lab
Classification: Likely benign for Tuberous sclerosis 1. Last evaluated: 2021-11-07. Review status: criteria provided, single submitter. Criteria: ACMG Guidelines, 2015. Collection method: clinical testing. Allele origin: germline. Affected: no.

Ambry Genetics
Classification: Likely benign for Hereditary cancer-predisposing syndrome. Last evaluated: 2020-04-07. Review status: criteria provided, single submitter. Criteria: Ambry Variant Classification Scheme 2023. Collection method: clinical testing. Allele origin: germline.

Literature cited by the submitters: PubMed 33071758 (cited by All of Us Research Program, National Institutes of Health and Color Diagnostics, LLC DBA Color Health); PubMed 22558107 (cited by Ambry Genetics); PubMed 23514105 (cited by Ambry Genetics).

NM_000368.5(TSC1):c.1178C>T (p.Thr393Ile)

Gene: TSC1 (TSC complex subunit 1; minus strand). Cytogenetic location: 9q34.13.
Variant type: single nucleotide variant.
Coding change: c.1178C>T on transcript NM_000368.5 (MANE Select); coding-DNA position 1178, C replaced by T.
Protein change: p.Thr393Ile; replaces threonine 393 with isoleucine.
Molecular consequence: missense variant.
Genome position (GRCh38, 1-based): chr9:132,910,656, G>A on the plus strand (C>T on the coding strand, the complement: TSC1 is on the minus strand). VCF-style: chr9-132910656-G-A. GRCh37 (hg19) VCF-style: chr9-135786043-G-A.
Other names: c.1175C>T, p.Thr392Ile (NM_001162426.2); c.1025C>T, p.Thr342Ile (NM_001162427.2); c.815C>T, p.Thr272Ile (NM_001362177.2); short protein forms T393I, T342I, T272I, T392I.
Identifiers: ClinVar variation 380255 (VCV000380255.48), dbSNP rs201452238, ClinGen allele CA16605642.